The following is an entry in ClinVar:

NM_005629.4(SLC6A8):c.635_636del (p.Glu212fs)

Gene: SLC6A8 (solute carrier family 6 member 8; plus strand). Cytogenetic location: Xq28.
Variant type: Deletion.
Coding change: c.635_636del on transcript NM_005629.4 (MANE Select); coding-DNA positions 635 to 636, 2 bases deleted (AG; older notation c.635_636delAG).
Protein change: p.Glu212fs; shifts the reading frame from glutamic acid 212.
Molecular consequence: frameshift variant.
Genome position (GRCh38, 1-based): chrX:153,691,544-153,691,545, AG deleted; deleting any 2 consecutive bases within chrX:153,691,543-153,691,545 gives the same sequence; the c. name uses the placement nearest the transcript's 3' end. VCF-style (leftmost placement, unchanged base first): chrX-153691542-CGA-C. GRCh37 (hg19) VCF-style: chrX-152956997-CGA-C.
Other names: NM_001142805.2:c.635_636del; c.635_636del, p.Glu212fs (NM_001142805.2); c.290_291del, p.Glu97fs (NM_001142806.1); short protein forms E212fs, E97fs.
Identifiers: ClinVar variation 2446446 (VCV002446446.1), dbSNP rs2522156645, ClinGen allele CA2573334474.

ClinVar aggregate classification (germline): Pathogenic (3 of 4 stars; one submission).

Conditions:
Creatine transporter deficiency (CCDS1). Also called: Mental retardation , X-linked with seizures, short stature and midface hypoplasia; Mental retardation , X-linked, with creatine transport deficiency; X-linked creatine transporter deficiency; X-linked creatine deficiency syndrome; SLC6A8-Related Creatine Transporter Deficiency; CREATINE TRANSPORTER DEFECT. Identifiers: Orphanet 52503, MedGen C1845862, MONDO:0010305, OMIM 300352.

Submission:

ClinGen Cerebral Creatine Deficiency Syndromes Variant Curation Expert Panel, ClinGen
Classification: Pathogenic for Creatine transporter deficiency. Last evaluated: 2023-03-09. Review status: reviewed by expert panel. Criteria: ClinGen_CCDS_ACMG_Specifications_SLC6A8_v1.1. Collection method: curation. Allele origin: germline. Inheritance: X-linked inheritance.
Comment: The NM_005629.4:c.635_636del (p.Glu212ValfsTer84) variant in SLC6A8 is a frameshift variant predicted to cause a premature stop codon, leading to nonsense mediated decay in a gene in which loss-of-function is an established disease mechanism (PVS1). Their mother (not stated if she is a confirmed heterozygote) has history of "hyperpyretic epilepsy in childhood, but never displayed learning difficulties and did not receive antiepileptic treatment". (Insufficent segregations to apply PP1). This variant is not in gnomAD v2.1.1. (PM2_Supporting). In summary, this variant meets the criteria to be classified as pathogenic for creatine transporter deficiency. SLC6A8-specific ACMG/AMP crietria applied, as specified by the Clingen CCDS VCEP (Specifications Version 1.1.0): PVS1, PP4_Strong, PM2_Supporting. (Classification approved by the ClinGen CCDS VCEP on March 9, 2023)